The following is an entry in ClinVar:

NM_001033855.3(DCLRE1C):c.1147C>G (p.Arg383Gly)

Gene: DCLRE1C (DNA cross-link repair 1C; minus strand). Cytogenetic location: 10p13.
Variant type: single nucleotide variant.
Coding change: c.1147C>G on transcript NM_001033855.3 (MANE Select); coding-DNA position 1147, C replaced by G.
Protein change: p.Arg383Gly; replaces arginine 383 with glycine.
Molecular consequence: missense variant. On other transcripts: non-coding transcript variant (4).
Genome position (GRCh38, 1-based): chr10:14,919,747, G>C on the plus strand (C>G on the coding strand, the complement: DCLRE1C is on the minus strand). VCF-style: chr10-14919747-G-C. GRCh37 (hg19) VCF-style: chr10-14961746-G-C.
Other names: c.787C>G, p.Arg263Gly (NM_001033857.3, NM_001033858.3, NM_001289077.2 and 2 more transcripts); c.802C>G, p.Arg268Gly (NM_001289076.2, NM_001289078.2, NM_001350966.2 and 1 more transcripts); c.1147C>G, p.Arg383Gly (NM_001350965.2); short protein forms R263G, R268G, R383G.
Identifiers: ClinVar variation 1463299 (VCV001463299.8), dbSNP rs752241422, ClinGen allele CA376078201.

ClinVar aggregate classification (germline): Uncertain significance (1 of 4 stars; one submission).

Conditions:
Severe combined immunodeficiency due to DCLRE1C deficiency (RS-SCID). Also called: SCID, AUTOSOMAL RECESSIVE, T CELL-NEGATIVE, B CELL-NEGATIVE, NK CELL-POSITIVE, WITH SENSITIVITY TO IONIZING RADIATION. Identifiers: Orphanet 275, MedGen C1865371, MONDO:0011225, OMIM 602450.

Submission:

Labcorp Genetics (formerly Invitae), Labcorp
Classification: Uncertain significance for Athabaskan severe combined immunodeficiency. Last evaluated: 2021-02-24. Review status: criteria provided, single submitter. Criteria: Invitae Variant Classification Sherloc (09022015). Collection method: clinical testing. Allele origin: germline.
Comment: This sequence change replaces arginine with glycine at codon 383 of the DCLRE1C protein (p.Arg383Gly). The arginine residue is weakly conserved and there is a moderate physicochemical difference between arginine and glycine. In summary, the available evidence is currently insufficient to determine the role of this variant in disease. Therefore, it has been classified as a Variant of Uncertain Significance. Algorithms developed to predict the effect of missense changes on protein structure and function (SIFT, PolyPhen-2, Align-GVGD) all suggest that this variant is likely to be tolerated, but these predictions have not been confirmed by published functional studies and their clinical significance is uncertain. This variant has not been reported in the literature in individuals with DCLRE1C-related conditions. This variant is not present in population databases (ExAC no frequency).